The following is an entry in ClinVar:

ClinVar aggregate classification (germline): Benign/Likely benign. Review status: criteria provided, multiple submitters, no conflicts (2 of 4 stars). 2 submissions from 2 submitters: Benign (1); Likely benign (1). Last evaluated 2019-12-31.

Conditions:
Gaze palsy, familial horizontal, with progressive scoliosis 1 (HGPPS1). Identifiers: Orphanet 2744, MedGen C4551964, MONDO:0020790, OMIM 607313.

Allele frequency attached by ClinVar (database versions not stated): 1000 Genomes Project 30x 0.00156; 1000 Genomes Project 0.00180; ESP Exome Variant Server 0.00115; TOPMed 0.00095.
gnomAD v4.1: 299 of 1,601,582 alleles (0.019%); highest among the groups gnomAD compares: African/African-American, 0.34%; no homozygotes.

Submissions (2):

Labcorp Genetics (formerly Invitae), Labcorp
Classification: Benign. Last evaluated: 2019-12-31. Review status: criteria provided, single submitter. Criteria: Invitae Variant Classification Sherloc (09022015). Collection method: clinical testing. Allele origin: germline.

Illumina Laboratory Services, Illumina
Classification: Likely benign for Gaze palsy, familial horizontal, with progressive scoliosis 1. Last evaluated: 2018-01-13. Review status: criteria provided, single submitter. Criteria: ICSL Variant Classification Criteria 13 December 2019. Collection method: clinical testing. Allele origin: germline.
Comment: This variant was observed in the ICSL laboratory as part of a predisposition screen in an ostensibly healthy population. It had not been previously curated by ICSL or reported in the Human Gene Mutation Database (HGMD: prior to June 1st, 2018), and was therefore a candidate for classification through an automated scoring system. Utilizing variant allele frequency, disease prevalence and penetrance estimates, and inheritance mode, an automated score was calculated to assess if this variant is too frequent to cause the disease. Based on the score and internal cut-off values, a variant classified as likely benign is not then subjected to further curation. The score for this variant resulted in a classification of likely benign for this disease.

NM_022370.4(ROBO3):c.2472A>C (p.Ala824=)

Genes: ROBO3 (roundabout guidance receptor 3; plus strand), LOC124625862 (Sharpr-MPRA regulatory region 2144; plus strand). Cytogenetic location: 11q24.2.
Variant type: single nucleotide variant.
Coding change: c.2472A>C on transcript NM_022370.4 (MANE Select); coding-DNA position 2472, A replaced by C.
Protein change: p.Ala824=; no amino-acid change (alanine 824 retained).
Molecular consequence: synonymous variant.
Genome position (GRCh38, 1-based): chr11:124,876,004, A>C. VCF-style: chr11-124876004-A-C. GRCh37 (hg19) VCF-style: chr11-124745900-A-C.
Identifiers: ClinVar variation 716324 (VCV000716324.8), dbSNP rs181453003, ClinGen allele CA6343802.